The following is an entry in ClinVar:

ClinVar aggregate classification (germline): Likely benign. Review status: criteria provided, multiple submitters, no conflicts (2 of 4 stars). 2 submissions from 2 submitters: Likely benign (2). Last evaluated 2025-02-19.

Conditions:
Fanconi anemia complementation group O. Also called: RAD51C-Related Fanconi Anemia. Identifiers: Orphanet 84, MedGen C3150653, MONDO:0013248, OMIM 613390.
Breast-ovarian cancer, familial, susceptibility to, 3. Also called: RAD51C-Related Breast/Ovarian Cancer. Identifiers: Orphanet 145, MedGen C3150659, MONDO:0013253, OMIM 613399.

Submissions (2):

Myriad Genetics, Inc.
Classification: Likely benign for Breast-ovarian cancer, familial, susceptibility to, 3. Last evaluated: 2025-02-19. Review status: criteria provided, single submitter. Criteria: Myriad Autosomal Dominant, Autosomal Recessive and X-Linked Classification Criteria (2023). Collection method: clinical testing. Allele origin: unknown.
Comment: This variant is considered likely benign. This variant is intronic and is not expected to impact mRNA splicing.

Labcorp Genetics (formerly Invitae), Labcorp
Classification: Likely benign for Fanconi anemia complementation group O. Last evaluated: 2023-09-04. Review status: criteria provided, single submitter. Criteria: Invitae Variant Classification Sherloc (09022015). Collection method: clinical testing. Allele origin: germline.

NM_058216.3(RAD51C):c.1026+9T>G

Gene: RAD51C (RAD51 paralog C; plus strand). Cytogenetic location: 17q22.
Variant type: single nucleotide variant.
Coding change: c.1026+9T>G on transcript NM_058216.3 (MANE Select); 9 bases into the intron after coding-DNA position 1026, T replaced by G.
Molecular consequence: intron variant.
Genome position (GRCh38, 1-based): chr17:58,732,553, T>G. VCF-style: chr17-58732553-T-G. GRCh37 (hg19) VCF-style: chr17-56809914-T-G.
Identifiers: ClinVar variation 761273 (VCV000761273.10), dbSNP rs1598535256, ClinGen allele CA400365361.